The following is an entry in ClinVar:

ClinVar aggregate classification (germline): Uncertain significance. Review status: criteria provided, multiple submitters, no conflicts (2 of 4 stars). 4 submissions from 4 submitters: Uncertain significance (4). Last evaluated 2024-10-20.

Conditions:
Hereditary cancer-predisposing syndrome. Also called: Tumor predisposition; Hereditary neoplastic syndrome; Neoplastic Syndromes, Hereditary; Hereditary Cancer Syndrome. Identifiers: Orphanet 140162, MedGen C0027672, MeSH D009386, MONDO:0015356.
Fanconi anemia complementation group J. Also called: BRIP1-Related Fanconi Anemia. Identifiers: Orphanet 84, MedGen C1836860, MONDO:0012187, OMIM 609054.
Familial cancer of breast. Also called: BREAST CANCER, FAMILIAL; hereditary breast carcinoma; Hereditary breast cancer. Identifiers: Orphanet 227535, MedGen C0346153, MONDO:0016419, OMIM 114480. Disease mechanism: loss of function.

Allele frequency attached by ClinVar (database versions not stated): gnomAD exomes below 0.00001.
gnomAD v4.1: 2 of 1,609,594 alleles (0.00012%); highest among the groups gnomAD compares: Admixed American, 0.0017%; no homozygotes.

Submissions (4):

Molecular Diagnostics Laboratory, Catalan Institute of Oncology
Classification: Uncertain significance for Hereditary cancer-predisposing syndrome. Last evaluated: 2024-10-20. Review status: criteria provided, single submitter. Criteria: ACMG Guidelines, 2015. Collection method: clinical testing. Allele origin: germline.
Comment: PM2_Supporting, BP4_Supporting c.1144G>A, located in exon 9 of the BRIP1 gene, is predicted to result in the substitution of aspartic acid by asparagine at codon 382, p.(Asp382Asn). This variant is found in 1/266146 alleles at a frequency of 0.0004% in the gnomAD v2.1.1 database, non-cancer dataset (PM2_supporting). The SpliceAI algorithm predicts no significant impact on splicing and the REVEL meta-predictor score for this variant (0.244) suggests that it does not affect the protein function according Pejaver 2022 thresholds (PMID: 36413997) (BP4). To our knowledge, neither relevant clinical data nor well-stablished functional studies have been reported for this variant. In addition, it has only been reported in ClinVar database (3x uncertain significance). Based on the currently available information, c.1144G>A is classified as an uncertain significance variant according to ACMG guidelines.

Ambry Genetics
Classification: Uncertain significance for Hereditary cancer-predisposing syndrome. Last evaluated: 2024-08-24. Review status: criteria provided, single submitter. Criteria: Ambry Variant Classification Scheme 2023. Collection method: clinical testing. Allele origin: germline.
Comment: The p.D382N variant (also known as c.1144G>A), located in coding exon 8 of the BRIP1 gene, results from a G to A substitution at nucleotide position 1144. The aspartic acid at codon 382 is replaced by asparagine, an amino acid with highly similar properties. This amino acid position is not well conserved in available vertebrate species. In addition, this alteration is predicted to be tolerated by in silico analysis. Since supporting evidence is limited at this time, the clinical significance of this alteration remains unclear.

Labcorp Genetics (formerly Invitae), Labcorp
Classification: Uncertain significance for Familial cancer of breast; Fanconi anemia complementation group J. Last evaluated: 2021-09-01. Review status: criteria provided, single submitter. Criteria: Invitae Variant Classification Sherloc (09022015). Collection method: clinical testing. Allele origin: germline.
Comment: This sequence change replaces aspartic acid with asparagine at codon 382 of the BRIP1 protein (p.Asp382Asn). The aspartic acid residue is moderately conserved and there is a small physicochemical difference between aspartic acid and asparagine. This variant is not present in population databases (ExAC no frequency). This variant has not been reported in the literature in individuals affected with BRIP1-related conditions. Algorithms developed to predict the effect of missense changes on protein structure and function are either unavailable or do not agree on the potential impact of this missense change (SIFT: "Tolerated"; PolyPhen-2: "Probably Damaging"; Align-GVGD: "Class C0"). In summary, the available evidence is currently insufficient to determine the role of this variant in disease. Therefore, it has been classified as a Variant of Uncertain Significance.

Color Diagnostics, LLC DBA Color Health
Classification: Uncertain significance for Hereditary cancer-predisposing syndrome. Last evaluated: 2020-01-17. Review status: criteria provided, single submitter. Criteria: ACMG Guidelines, 2015. Collection method: clinical testing. Allele origin: germline.
Comment: This missense variant replaces aspartic acid with asparagine at codon 382 of the BRIP1 protein. Computational prediction tool suggests that this variant may not impact protein structure and function (internally defined REVEL score threshold ≤0.5, PMID: 27666373). Splice site prediction tools suggest that this variant may not impact RNA splicing. To our knowledge, functional studies have not been performed for this variant. This variant has not been reported in individuals affected with hereditary cancer in the literature. This variant has been identified in 1/249164 chromosomes in the general population by the Genome Aggregation Database (gnomAD). The available evidence is insufficient to determine the role of this variant in disease conclusively. Therefore, this variant is classified as a Variant of Uncertain Significance.

NM_032043.3(BRIP1):c.1144G>A (p.Asp382Asn)

Gene: BRIP1 (BRCA1 interacting DNA helicase 1; minus strand). Cytogenetic location: 17q23.2.
Variant type: single nucleotide variant.
Coding change: c.1144G>A on transcript NM_032043.3 (MANE Select); coding-DNA position 1144, G replaced by A.
Protein change: p.Asp382Asn; replaces aspartic acid 382 with asparagine.
Molecular consequence: missense variant.
Genome position (GRCh38, 1-based): chr17:61,799,296, C>T on the plus strand (G>A on the coding strand, the complement: BRIP1 is on the minus strand). VCF-style: chr17-61799296-C-T. GRCh37 (hg19) VCF-style: chr17-59876657-C-T.
Other names: short protein forms D382N.
Identifiers: ClinVar variation 926178 (VCV000926178.14), dbSNP rs1452168198, ClinGen allele CA400483829.